The following is an entry in ClinVar:

ClinVar aggregate classification (germline): Uncertain significance (1 of 4 stars; one submission).

Conditions:
F5-related disorder. Also called: F5-related condition.

Submission:

PreventionGenetics, part of Exact Sciences
Classification: Uncertain significance for F5-related condition. Last evaluated: 2026-09-16. Review status: criteria provided, single submitter. Criteria: ACMG Guidelines, 2015. Collection method: clinical testing. Allele origin: germline.
Comment: The F5 c.4814A>G variant is predicted to result in the amino acid substitution p.Asp1605Gly. To our knowledge, this variant has not been reported in the literature or in a large population database (gnomAD), indicating this variant is rare. At this time, the clinical significance of this variant is uncertain due to the absence of conclusive functional and genetic evidence.

NM_000130.5(F5):c.4814A>G (p.Asp1605Gly)

Gene: F5 (coagulation factor V; minus strand). Cytogenetic location: 1q24.2.
Variant type: single nucleotide variant.
Coding change: c.4814A>G on transcript NM_000130.5 (MANE Select); coding-DNA position 4814, A replaced by G.
Protein change: p.Asp1605Gly; replaces aspartic acid 1605 with glycine.
Molecular consequence: missense variant.
Genome position (GRCh38, 1-based): chr1:169,536,663, T>C on the plus strand (A>G on the coding strand, the complement: F5 is on the minus strand). VCF-style: chr1-169536663-T-C. GRCh37 (hg19) VCF-style: chr1-169505901-T-C.
Other names: short protein forms D1605G.
Identifiers: ClinVar variation 4985123 (VCV004985123.1).